The following is an entry in ClinVar:

NM_000719.7(CACNA1C):c.542A>G (p.Tyr181Cys)

Gene: CACNA1C (calcium voltage-gated channel subunit alpha1 C; plus strand). Cytogenetic location: 12p13.33.
Variant type: single nucleotide variant.
Coding change: c.542A>G on transcript NM_000719.7 (MANE Select); coding-DNA position 542, A replaced by G.
Protein change: p.Tyr181Cys; replaces tyrosine 181 with cysteine.
Molecular consequence: missense variant.
Genome position (GRCh38, 1-based): chr12:2,449,040, A>G. VCF-style: chr12-2449040-A-G. GRCh37 (hg19) VCF-style: chr12-2558206-A-G.
Other names: c.542A>G, p.Tyr181Cys (NM_001129827.2, NM_001129829.2, NM_001129830.3 and 19 more transcripts); short protein forms Y181C.
Identifiers: ClinVar variation 1747485 (VCV001747485.5), dbSNP rs774096274, ClinGen allele CA6388474.

ClinVar aggregate classification (germline): Uncertain significance. Review status: criteria provided, multiple submitters, no conflicts (2 of 4 stars). 3 submissions from 3 submitters: Uncertain significance (3). Last evaluated 2026-01-26.

Conditions:
Long QT syndrome (LQTS). Identifiers: MedGen C0023976, MeSH D008133, MONDO:0002442. Disease mechanism: loss of function. Inheritance: Various modes of inheritance.
Cardiovascular phenotype. Identifiers: MedGen CN230736.

Allele frequency attached by ClinVar (database versions not stated): TOPMed below 0.00001; gnomAD exomes 0.00001; ExAC 0.00004.
gnomAD v4.1: 9 of 1,601,712 alleles (0.00056%); highest among the groups gnomAD compares: African/African-American, 0.0013%; no homozygotes.

Submissions (3):

GeneDx
Classification: Uncertain significance. Last evaluated: 2026-01-26. Review status: criteria provided, single submitter. Criteria: GeneDx Variant Classification Process June 2021. Collection method: clinical testing. Allele origin: germline.
Comment: Not observed at significant frequency in large population cohorts (gnomAD); In silico analysis supports that this missense variant has a deleterious effect on protein structure/function; Has not been previously published as pathogenic or benign to our knowledge

Labcorp Genetics (formerly Invitae), Labcorp
Classification: Uncertain significance for Long QT syndrome. Last evaluated: 2025-12-13. Review status: criteria provided, single submitter. Criteria: Invitae Variant Classification Sherloc (09022015). Collection method: clinical testing. Allele origin: germline.
Comment: This sequence change replaces tyrosine, which is neutral and polar, with cysteine, which is neutral and slightly polar, at codon 181 of the CACNA1C protein (p.Tyr181Cys). This variant is present in population databases (rs774096274, gnomAD 0.002%). This variant has not been reported in the literature in individuals affected with CACNA1C-related conditions. ClinVar contains an entry for this variant (Variation ID: 1747485). Invitae Evidence Modeling of protein sequence and biophysical properties (such as structural, functional, and spatial information, amino acid conservation, physicochemical variation, residue mobility, and thermodynamic stability) indicates that this missense variant is expected to disrupt CACNA1C protein function with a positive predictive value of 95%. In summary, the available evidence is currently insufficient to determine the role of this variant in disease. Therefore, it has been classified as a Variant of Uncertain Significance.

Ambry Genetics
Classification: Uncertain significance for Cardiovascular phenotype. Last evaluated: 2020-01-10. Review status: criteria provided, single submitter. Criteria: Ambry Variant Classification Scheme 2023. Collection method: clinical testing. Allele origin: germline.
Comment: The p.Y181C variant (also known as c.542A>G), located in coding exon 4 of the CACNA1C gene, results from an A to G substitution at nucleotide position 542. The tyrosine at codon 181 is replaced by cysteine, an amino acid with highly dissimilar properties. This amino acid position is highly conserved in available vertebrate species. In addition, this alteration is predicted to be deleterious by in silico analysis. Since supporting evidence is limited at this time, the clinical significance of this alteration remains unclear.